The following is an entry in ClinVar:

ClinVar aggregate classification (germline): Uncertain significance (1 of 4 stars; one submission).

Conditions:
NEFH-related disorder. Also called: NEFH-related condition.

gnomAD v4.1: 4 of 1,614,088 alleles (0.00025%); highest among the groups gnomAD compares: East Asian, 0.0022%; no homozygotes.

Submission:

PreventionGenetics, part of Exact Sciences
Classification: Uncertain significance for NEFH-related condition. Last evaluated: 2026-03-12. Review status: criteria provided, single submitter. Criteria: ACMG Guidelines, 2015. Collection method: clinical testing. Allele origin: germline.
Comment: The NEFH c.1238T>C variant is predicted to result in the amino acid substitution p.Ile413Thr. To our knowledge, this variant has not been reported in the literature. This variant is reported in 0.0054% of alleles in individuals of East Asian descent in gnomAD. At this time, the clinical significance of this variant is uncertain due to the absence of conclusive functional and genetic evidence.

NM_021076.4(NEFH):c.1238T>C (p.Ile413Thr)

Gene: NEFH (neurofilament heavy chain; plus strand). Cytogenetic location: 22q12.2.
Variant type: single nucleotide variant.
Coding change: c.1238T>C on transcript NM_021076.4 (MANE Select); coding-DNA position 1238, T replaced by C.
Protein change: p.Ile413Thr; replaces isoleucine 413 with threonine.
Molecular consequence: missense variant.
Genome position (GRCh38, 1-based): chr22:29,488,878, T>C. VCF-style: chr22-29488878-T-C. GRCh37 (hg19) VCF-style: chr22-29884867-T-C.
Other names: short protein forms I413T.
Identifiers: ClinVar variation 4988050 (VCV004988050.1).
Genomic context (GRCh38, chr22:29,488,878, plus strand): 5'-ATACTAATGTGTTCCGTGATCCATCCTGCAGAAAACTCCTGGAAGGTGAAGAGTGTCGGA[T>C]TGGCTTTGGCCCAATTCCTTTCTCGCTTCCAGAAGGACTCCCCAAAATTCCCTCTGTGTC-3'
Protein context (NP_066554.2, residues 403-423): RKLLEGEECR[Ile413Thr]GFGPIPFSLP